The following is an entry in ClinVar:

ClinVar aggregate classification (germline): Uncertain significance (1 of 4 stars; one submission).

Conditions:
Malignant hyperthermia, susceptibility to, 1 (MHS1). Also called: Anesthesia related hyperthermia; Malignant hyperpyrexia; Fulminating hyperpyrexia; Pharmacogenic myopathy; Malignant hyperthermia suceptibility 1; RYR1-Related Malignant Hyperthermia Susceptibility. Identifiers: Orphanet 423, MedGen C2930980, MONDO:0007783, OMIM 145600.

Submission:

All of Us Research Program, National Institutes of Health
Classification: Uncertain significance for Malignant hyperthermia, susceptibility to, 1. Last evaluated: 2024-07-10. Review status: criteria provided, single submitter. Criteria: ACMG Guidelines, 2015. Collection method: clinical testing. Allele origin: germline. Inheritance: Autosomal dominant inheritance. Observed: 1 variant allele, 1 heterozygote.
Comment: This missense variant replaces isoleucine with methionine at codon 2182 of the RYR1 protein. Computational prediction is inconclusive regarding the impact of this variant on protein structure and function (internally defined REVEL score threshold 0.5 < inconclusive < 0.7, PMID: 27666373). To our knowledge, functional studies have not been reported for this variant. This variant has not been reported in individuals affected with RYR1-related disorders in the literature. This variant has not been identified in the general population by the Genome Aggregation Database (gnomAD). The available evidence is insufficient to determine the role of this variant in disease conclusively. Therefore, this variant is classified as a Variant of Uncertain Significance.

This study involves interpretation of variants in research participants for the purpose of population health screening. Participant phenotype was not available at the time of variant classification. Additional details can be found in publication PMID: 35346344, PMCID: PMC8962531

NM_000540.3(RYR1):c.6546C>G (p.Ile2182Met)

Gene: RYR1 (ryanodine receptor 1; plus strand). Cytogenetic location: 19q13.2.
Variant type: single nucleotide variant.
Coding change: c.6546C>G on transcript NM_000540.3 (MANE Select); coding-DNA position 6546, C replaced by G.
Protein change: p.Ile2182Met; replaces isoleucine 2182 with methionine.
Molecular consequence: missense variant.
Genome position (GRCh38, 1-based): chr19:38,494,623, C>G. VCF-style: chr19-38494623-C-G. GRCh37 (hg19) VCF-style: chr19-38985263-C-G.
Other names: c.6546C>G, p.Ile2182Met (NM_001042723.2); short protein forms I2182M.
Identifiers: ClinVar variation 3385428 (VCV003385428.1).
Genomic context (GRCh38, chr19:38,494,623, plus strand): 5'-CCGCTCGCTGCTCATCGTGCAGATGGGCCCCCAGGAGGAGAACCTCATGATCCAGAGCAT[C>G]GGGTGAGACACCGCCCTTCCCCCTTACTTTGCATATCCCCTTGGGTAATGAATACCCTCA-3'
Protein context (NP_000531.2, residues 2172-2192): PQEENLMIQS[Ile2182Met]GNIMNNKVFY